The following is an entry in ClinVar:

NM_000535.7(PMS2):c.184G>T (p.Gly62Ter)

Gene: PMS2 (PMS1 homolog 2, mismatch repair system component; minus strand). Cytogenetic location: 7p22.1.
Variant type: single nucleotide variant.
Coding change: c.184G>T on transcript NM_000535.7 (MANE Select); coding-DNA position 184, G replaced by T.
Protein change: p.Gly62Ter; replaces glycine 62 with a stop codon.
Molecular consequence: nonsense. On other transcripts: 5 prime UTR variant (44), non-coding transcript variant (1), intron variant (1).
Genome position (GRCh38, 1-based): chr7:6,004,038, C>A on the plus strand (G>T on the coding strand, the complement: PMS2 is on the minus strand). VCF-style: chr7-6004038-C-A. GRCh37 (hg19) VCF-style: chr7-6043669-C-A.
Other names: c.-222G>T (NM_001322003.2, NM_001322004.2, NM_001322005.2 and 13 more transcripts); c.184G>T, p.Gly62Ter (NM_001322006.2, NM_001322014.2, NM_001406868.1 and 10 more transcripts); c.-32G>T (NM_001322007.2, NM_001322008.2, NM_001406876.1 and 4 more transcripts); c.-701G>T (NM_001322011.2, NM_001322012.2); c.-301G>T (NM_001322015.2, NM_001406875.1, NM_001406877.1 and 3 more transcripts); c.370G>T, p.Gly124Ter (NM_001406866.1); c.-248G>T (NM_001406880.1); c.-198G>T (NM_001406881.1, NM_001406900.1); and 3 more; short protein forms G124*, G62*.
Identifiers: ClinVar variation 4667424 (VCV004667424.1).
Genomic context (GRCh38, chr7:6,004,038, plus strand): 5'-CTTCGAAGTTTTCTTCTTCTACCCCACATCCATTGTCTGAAACTTCAATAAGATCCACTC[C>A]ATAGTCCTTAAGCTTTAGATCTAGAAAGTTTAAAATATTTACATATTTATTAAAAACGGA-3'

ClinVar aggregate classification (germline): Pathogenic (1 of 4 stars; one submission).

Conditions:
Hereditary cancer-predisposing syndrome. Also called: Neoplastic Syndromes, Hereditary; Tumor predisposition; Hereditary Cancer Syndrome; Hereditary neoplastic syndrome. Identifiers: Orphanet 140162, MedGen C0027672, MeSH D009386, MONDO:0015356.

Submission:

Ambry Genetics
Classification: Pathogenic for Hereditary cancer-predisposing syndrome. Last evaluated: 2025-11-04. Review status: criteria provided, single submitter. Criteria: Ambry Variant Classification Scheme 2023. Collection method: clinical testing. Allele origin: germline.
Comment: The p.G62* pathogenic mutation (also known as c.184G>T), located in coding exon 3 of the PMS2 gene, results from a G to T substitution at nucleotide position 184. This changes the amino acid from a glycine to a stop codon within coding exon 3. This variant is considered to be rare based on population cohorts in the Genome Aggregation Database (gnomAD). This alteration is expected to result in loss of function by premature protein truncation or nonsense-mediated mRNA decay. As such, this alteration is interpreted as a disease-causing mutation.